The following is an entry in ClinVar:

NM_002834.5(PTPN11):c.52A>G (p.Asn18Asp)

Gene: PTPN11 (protein tyrosine phosphatase non-receptor type 11; plus strand). Cytogenetic location: 12q24.13.
Variant type: single nucleotide variant.
Coding change: c.52A>G on transcript NM_002834.5 (MANE Select); coding-DNA position 52, A replaced by G.
Protein change: p.Asn18Asp; replaces asparagine 18 with aspartic acid.
Molecular consequence: missense variant.
Genome position (GRCh38, 1-based): chr12:112,446,313, A>G. VCF-style: chr12-112446313-A-G. GRCh37 (hg19) VCF-style: chr12-112884117-A-G.
Other names: c.52A>G, p.Asn18Asp (NM_001330437.2, NM_001374625.1, NM_080601.3); short protein forms N18D.
Identifiers: ClinVar variation 3940392 (VCV003940392.1).

ClinVar aggregate classification (germline): Uncertain significance (1 of 4 stars; one submission).

Conditions:
Cardiovascular phenotype. Identifiers: MedGen CN230736.

gnomAD v4.1: 1 of 1,614,112 alleles (0.000062%); highest among the groups gnomAD compares: South Asian, 0.0011%; no homozygotes.

Submission:

Ambry Genetics
Classification: Uncertain significance for Cardiovascular phenotype. Last evaluated: 2025-03-27. Review status: criteria provided, single submitter. Criteria: Ambry Variant Classification Scheme 2023. Collection method: clinical testing. Allele origin: germline.
Comment: The p.N18D variant (also known as c.52A>G), located in coding exon 2 of the PTPN11 gene, results from an A to G substitution at nucleotide position 52. The asparagine at codon 18 is replaced by aspartic acid, an amino acid with highly similar properties. This amino acid position is conserved. In addition, this alteration is predicted to be tolerated by in silico analysis. Based on the available evidence, the clinical significance of this variant remains unclear.